The following is an entry in ClinVar:

NM_001001557.4(GDF6):c.948G>A (p.Pro316=)

Gene: GDF6 (growth differentiation factor 6; minus strand). Cytogenetic location: 8q22.1.
Variant type: single nucleotide variant.
Coding change: c.948G>A on transcript NM_001001557.4 (MANE Select); coding-DNA position 948, G replaced by A.
Protein change: p.Pro316=; no amino-acid change (proline 316 retained).
Molecular consequence: synonymous variant.
Genome position (GRCh38, 1-based): chr8:96,144,983, C>T on the plus strand (G>A on the coding strand, the complement: GDF6 is on the minus strand). VCF-style: chr8-96144983-C-T. GRCh37 (hg19) VCF-style: chr8-97157211-C-T.
Other names: c.948G>A (NM_001001557.3).
Identifiers: ClinVar variation 1103944 (VCV001103944.15), dbSNP rs774587683, ClinGen allele CA4815386.

ClinVar aggregate classification (germline): Likely benign. Review status: criteria provided, multiple submitters, no conflicts (2 of 4 stars). 3 submissions from 3 submitters: Likely benign (2). 1 of the submissions does not count toward it. Last evaluated 2026-01-01.

Conditions:
Isolated microphthalmia 4. Identifiers: Orphanet 2542, MedGen C2751307, MONDO:0013130, OMIM 613094.
Klippel-Feil syndrome 1, autosomal dominant (KFS1). Also called: CERVICAL VERTEBRAL FUSION, AUTOSOMAL DOMINANT. Identifiers: Orphanet 2345, MedGen C1861689, MONDO:0007306, OMIM 118100.
Leber congenital amaurosis 17 (LCA17). Identifiers: Orphanet 65, MedGen C3715164, MONDO:0014145, OMIM 615360.
Microphthalmia, isolated, with coloboma 6 (MCOPCB6). Also called: Microphthalmia with coloboma 6, digenic; Microphthalmia with coloboma 6; MICROPHTHALMIA/COLOBOMA 6. Identifiers: Orphanet 98938, MedGen C3150968, MONDO:0013376, OMIM 613703.
GDF6-related disorder. Also called: GDF6-related condition.

Allele frequency attached by ClinVar (database versions not stated): gnomAD 0.00001; TOPMed 0.00005; gnomAD exomes 0.00008.

Submissions (3):

CeGaT Center for Human Genetics Tuebingen
Classification: Likely benign. Last evaluated: 2026-01-01. Review status: criteria provided, single submitter. Criteria: CeGaT Center For Human Genetics Tuebingen Variant Classification Criteria Version 2. Collection method: clinical testing. Allele origin: germline. Affected: yes. Observed: 1 variant allele.
Comment: GDF6: BP4, BP7

Labcorp Genetics (formerly Invitae), Labcorp
Classification: Likely benign for Isolated microphthalmia 4; Leber congenital amaurosis 17; Klippel-Feil syndrome 1, autosomal dominant; Microphthalmia, isolated, with coloboma 6. Last evaluated: 2025-10-08. Review status: criteria provided, single submitter. Criteria: Invitae Variant Classification Sherloc (09022015). Collection method: clinical testing. Allele origin: germline.

PreventionGenetics, part of Exact Sciences
Classification: Likely benign for GDF6-related condition. Last evaluated: 2019-08-07. Review status: no assertion criteria provided. Collection method: clinical testing. Allele origin: germline. Not counted in ClinVar's aggregate classification.
Comment: This variant is classified as likely benign based on ACMG/AMP sequence variant interpretation guidelines (Richards et al. 2015 PMID: 25741868, with internal and published modifications).